The following is an entry in ClinVar:

NM_001127222.2(CACNA1A):c.1983T>C (p.Phe661=)

Gene: CACNA1A (calcium voltage-gated channel subunit alpha1 A; minus strand). Cytogenetic location: 19p13.13.
Variant type: single nucleotide variant.
Coding change: c.1983T>C on transcript NM_001127222.2 (MANE Select); coding-DNA position 1983, T replaced by C.
Protein change: p.Phe661=; no amino-acid change (phenylalanine 661 retained).
Molecular consequence: synonymous variant.
Genome position (GRCh38, 1-based): chr19:13,307,785, A>G on the plus strand (T>C on the coding strand, the complement: CACNA1A is on the minus strand). VCF-style: chr19-13307785-A-G. GRCh37 (hg19) VCF-style: chr19-13418599-A-G.
Other names: p.Phe662=; c.1986T>C, p.Phe662= (NM_000068.4, NM_001127221.2, NM_001174080.2 and 1 more transcripts); c.1983T>C (NM_001127222.1).
Identifiers: ClinVar variation 446904 (VCV000446904.58), dbSNP rs368033271, ClinGen allele CA9240676.

ClinVar aggregate classification (germline): Benign/Likely benign. Review status: criteria provided, multiple submitters, no conflicts (2 of 4 stars). 9 submissions from 9 submitters: Benign (4); Likely benign (4). 1 of the submissions does not count toward it. Last evaluated 2026-08-01.

Conditions:
CACNA1A-related disorder. Also called: CACNA1A-related condition.
Episodic ataxia type 2 (EA2). Also called: ACETAZOLAMIDE-RESPONSIVE HEREDITARY PAROXYSMAL CEREBELLAR ATAXIA; ATAXIA, EPISODIC, WITH NYSTAGMUS; ATAXIA, FAMILIAL PAROXYSMAL; CEREBELLAR ATAXIA, PAROXYSMAL, ACETAZOLAMIDE-RESPONSIVE; CEREBELLOPATHY, HEREDITARY PAROXYSMAL; EPISODIC ATAXIA, NYSTAGMUS-ASSOCIATED. Identifiers: Orphanet 97, MedGen C1720416, MONDO:0007163, OMIM 108500.
Developmental and epileptic encephalopathy, 42 (DEE42A). Also called: Epileptic encephalopathy, early infantile, 42; DEVELOPMENTAL AND EPILEPTIC ENCEPHALOPATHY 42A; EPILEPTIC ENCEPHALOPATHY, EARLY INFANTILE, 42A. Identifiers: MedGen C4310716, MONDO:0014917, OMIM 617106.
Spinocerebellar ataxia type 6 (SCA6). Identifiers: Orphanet 98758, MedGen C0752124, MONDO:0008457, OMIM 183086.
Migraine, familial hemiplegic, 1. Also called: MIGRAINE, FAMILIAL HEMIPLEGIC 1, WITH PROGRESSIVE CEREBELLAR ATAXIA. Identifiers: Orphanet 569, MedGen C1832884, MONDO:0020756, OMIM 141500, MONDO:0007714.
Inborn genetic diseases. Identifiers: MedGen C0950123, MeSH D030342.

Allele frequency attached by ClinVar (database versions not stated): gnomAD exomes 0.00044 and 0.00025; gnomAD 0.00016 and 0.00018; TOPMed 0.00017; 1000 Genomes Project 30x 0.00031; ExAC 0.00037; 1000 Genomes Project 0.00040; ESP Exome Variant Server 0.00041.
gnomAD v4.1: 402 of 1,613,936 alleles (0.025%); highest among the groups gnomAD compares: Middle Eastern, 0.2%; 2 homozygotes.

Submissions (9):

CeGaT Center for Human Genetics Tuebingen
Classification: Likely benign. Last evaluated: 2026-08-01. Review status: criteria provided, single submitter. Criteria: CeGaT Center For Human Genetics Tuebingen Variant Classification Criteria Version 2. Collection method: clinical testing. Allele origin: germline. Affected: yes. Observed: 9 variant alleles.
Comment: CACNA1A: BP4, BP7

Labcorp Genetics (formerly Invitae), Labcorp
Classification: Benign for Developmental and epileptic encephalopathy, 42; Episodic ataxia type 2. Last evaluated: 2025-11-14. Review status: criteria provided, single submitter. Criteria: Invitae Variant Classification Sherloc (09022015). Collection method: clinical testing. Allele origin: germline.

Mayo Clinic Laboratories, Mayo Clinic
Classification: Benign. Last evaluated: 2024-12-20. Review status: criteria provided, single submitter. Criteria: ACMG Guidelines, 2015. Collection method: clinical testing. Allele origin: germline. Observed: 2 variant alleles.
Comment: BS1, BS2, BP4, BP7

Blueprint Genetics
Classification: Likely benign. Last evaluated: 2024-10-22. Review status: criteria provided, single submitter. Criteria: ACMG Guidelines, 2015. Collection method: clinical testing. Allele origin: germline.

Fulgent Genetics
Classification: Likely benign for Episodic ataxia type 2; Migraine, familial hemiplegic, 1; Spinocerebellar ataxia type 6; Developmental and epileptic encephalopathy, 42. Last evaluated: 2021-08-26. Review status: criteria provided, single submitter. Criteria: ACMG Guidelines, 2015. Collection method: clinical testing. Allele origin: unknown.

GeneDx
Classification: Benign. Last evaluated: 2019-06-07. Review status: criteria provided, single submitter. Criteria: GeneDx Variant Classification Process June 2021. Collection method: clinical testing. Allele origin: germline. Affected: yes.

Ambry Genetics
Classification: Likely benign for Inborn genetic diseases. Last evaluated: 2017-09-28. Review status: criteria provided, single submitter. Criteria: Ambry Variant Classification Scheme 2023. Collection method: clinical testing. Allele origin: germline.

Athena Diagnostics
Classification: Benign. Last evaluated: 2016-08-30. Review status: criteria provided, single submitter. Criteria: Athena Diagnostics Criteria. Collection method: clinical testing. Allele origin: germline.

PreventionGenetics, part of Exact Sciences
Classification: Likely benign for CACNA1A-related condition. Last evaluated: 2020-03-05. Review status: no assertion criteria provided. Collection method: clinical testing. Allele origin: germline. Not counted in ClinVar's aggregate classification.
Comment: This variant is classified as likely benign based on ACMG/AMP sequence variant interpretation guidelines (Richards et al. 2015 PMID: 25741868, with internal and published modifications).